The following is an entry in ClinVar:

ClinVar aggregate classification (germline): Likely benign (1 of 4 stars; one submission).

Submission:

CeGaT Center for Human Genetics Tuebingen
Classification: Likely benign. Last evaluated: 2024-07-01. Review status: criteria provided, single submitter. Criteria: CeGaT Center For Human Genetics Tuebingen Variant Classification Criteria Version 2. Collection method: clinical testing. Allele origin: germline. Affected: yes. Observed: 1 variant allele.
Comment: FMR1: BS2; FMR1-AS1: BS2

NC_000023.11:g.147911848G>C

Genes: FMR1 (fragile X messenger ribonucleoprotein 1; plus strand), LOC129929053 (ATAC-STARR-seq lymphoblastoid silent region 21039; plus strand), LOC107032825 (origin of replication in 5' region of FMR1; plus strand). Cytogenetic location: Xq27.3.
Variant type: single nucleotide variant.
Genome position: GRCh38 VCF-style: chrX-147911848-G-C. GRCh37 (hg19) VCF-style: chrX-146993366-G-C.
Identifiers: ClinVar variation 3257153 (VCV003257153.16).
Genomic context (GRCh38, chrX:147,911,848, plus strand): 5'-CATGCGCGCGCTCCCAGGCCACTTGAAGAGAGAGGGCGGGGCCGAGGGGCTGAGCCCGCG[G>C]GGGGAGGGAACAGCGTTGATCACGTGACGTGGTTTCAGTGTTTACACCCGCAGCGGGCCG-3'